The following is an entry in ClinVar:

NM_000308.4(CTSA):c.51_54delinsC (p.Leu19del)

Genes: CTSA (cathepsin A; plus strand), LOC130065974 (ATAC-STARR-seq lymphoblastoid active region 17954; plus strand). Cytogenetic location: 20q13.12.
Variant type: Indel.
Coding change: c.51_54delinsC on transcript NM_000308.4 (MANE Select); coding-DNA positions 51 to 54, GCTG replaced by C.
Protein change: p.Leu19del; deletes leucine 19.
Molecular consequence: inframe deletion. On other transcripts: non-coding transcript variant (1).
Genome position (GRCh38, 1-based): chr20:45,891,619-45,891,622, GCTG replaced by C. VCF-style: chr20-45891619-GCTG-C. GRCh37 (hg19) VCF-style: chr20-44520258-GCTG-C.
Other names: p.Leu37del; c.105_108delinsC (NM_000308.2); c.105_108delGCTGinsC (NM_000308.3); c.51_54delinsC, p.Leu19del (NM_001127695.3, NM_001167594.3); short protein forms L19del.
Identifiers: ClinVar variation 266025 (VCV000266025.8), dbSNP rs886039898, ClinGen allele CA10588949.

ClinVar aggregate classification (germline): Conflicting classifications of pathogenicity. Review status: criteria provided, conflicting classifications (1 of 4 stars). 3 submissions from 3 submitters: Uncertain significance (2); Likely benign (1). Last evaluated 2022-08-09.

Conditions:
Combined deficiency of sialidase AND beta galactosidase (GSL). Also called: Galactosialidosis; NEURAMINIDASE DEFICIENCY WITH BETA-GALACTOSIDASE DEFICIENCY; NEURAMINIDASE/BETA-GALACTOSIDASE EXPRESSION; PPCA DEFICIENCY; PROTECTIVE PROTEIN/CATHEPSIN A DEFICIENCY; CATHEPSIN A DEFICIENCY. Identifiers: Orphanet 351, MedGen C0268233, MONDO:0009737, OMIM 256540.

Submissions (3):

Labcorp Genetics (formerly Invitae), Labcorp
Classification: Uncertain significance for Combined deficiency of sialidase AND beta galactosidase. Last evaluated: 2022-08-09. Review status: criteria provided, single submitter. Criteria: Invitae Variant Classification Sherloc (09022015). Collection method: clinical testing. Allele origin: germline.
Comment: Experimental studies and prediction algorithms are not available or were not evaluated, and the functional significance of this variant is currently unknown. ClinVar contains an entry for this variant (Variation ID: 558865). This variant has been observed in individual(s) with clinical features of galactosialidosis (PMID: 28554332). The frequency data for this variant in the population databases is considered unreliable, as metrics indicate poor data quality at this position in the gnomAD database. This variant, c.105_108delinsC, is a complex sequence change that results in the deletion of 1 amino acid(s) in the CTSA protein (p.Leu37del). In summary, the available evidence is currently insufficient to determine the role of this variant in disease. Therefore, it has been classified as a Variant of Uncertain Significance.

Mayo Clinic Laboratories, Mayo Clinic
Classification: Uncertain significance. Last evaluated: 2022-02-15. Review status: criteria provided, single submitter. Criteria: ACMG Guidelines, 2015. Collection method: clinical testing. Allele origin: germline. Observed: 1 variant allele.
Comment: PM2

HudsonAlpha Institute for Biotechnology
Classification: Likely benign for Combined deficiency of sialidase AND beta galactosidase. Last evaluated: 2017-09-14. Review status: criteria provided, single submitter. Criteria: HA_assertions_20161101. Collection method: research. Allele origin: unknown. Affected: no. Observed: 1 variant allele. Study: CSER-HudsonAlpha.

Literature cited by the submitters: PubMed 28554332 (cited by Labcorp Genetics (formerly Invitae), Labcorp and Mayo Clinic Laboratories, Mayo Clinic).